The following is an entry in ClinVar:

NM_017617.5(NOTCH1):c.7109G>C (p.Ser2370Thr)

Gene: NOTCH1 (notch receptor 1; minus strand). Cytogenetic location: 9q34.3.
Variant type: single nucleotide variant.
Coding change: c.7109G>C on transcript NM_017617.5 (MANE Select); coding-DNA position 7109, G replaced by C.
Protein change: p.Ser2370Thr; replaces serine 2370 with threonine.
Molecular consequence: missense variant.
Genome position (GRCh38, 1-based): chr9:136,496,630, C>G on the plus strand (G>C on the coding strand, the complement: NOTCH1 is on the minus strand). VCF-style: chr9-136496630-C-G. GRCh37 (hg19) VCF-style: chr9-139391082-C-G.
Other names: short protein forms S2370T.
Identifiers: ClinVar variation 5025813 (VCV005025813.1).

ClinVar aggregate classification (germline): Uncertain significance (1 of 4 stars; one submission).

Conditions:
Familial thoracic aortic aneurysm and aortic dissection (TAAD). Also called: Thoracic aortic aneurysms and dissections. Identifiers: Orphanet 91387, MedGen C4707243, MONDO:0019625.

Submission:

Ambry Genetics
Classification: Uncertain significance for Familial thoracic aortic aneurysm and aortic dissection. Last evaluated: 2026-08-22. Review status: criteria provided, single submitter. Criteria: Ambry Variant Classification Scheme 2023. Collection method: clinical testing. Allele origin: germline.
Comment: The p.S2370T variant (also known as c.7109G>C), located in coding exon 34 of the NOTCH1 gene, results from a G to C substitution at nucleotide position 7109. The serine at codon 2370 is replaced by threonine, an amino acid with similar properties. This amino acid position is conserved. In addition, this alteration is predicted to be tolerated by in silico analysis. Based on the available evidence, the clinical significance of this variant remains unclear.